The following is an entry in ClinVar:

NM_000540.3(RYR1):c.10765C>T (p.Pro3589Ser)

Gene: RYR1 (ryanodine receptor 1; plus strand). Cytogenetic location: 19q13.2.
Variant type: single nucleotide variant.
Coding change: c.10765C>T on transcript NM_000540.3 (MANE Select); coding-DNA position 10765, C replaced by T.
Protein change: p.Pro3589Ser; replaces proline 3589 with serine.
Molecular consequence: missense variant.
Genome position (GRCh38, 1-based): chr19:38,527,725, C>T. VCF-style: chr19-38527725-C-T. GRCh37 (hg19) VCF-style: chr19-39018365-C-T.
Other names: c.10750C>T, p.Pro3584Ser (NM_001042723.2); short protein forms P3589S, P3584S.
Identifiers: ClinVar variation 1346359 (VCV001346359.3), dbSNP rs2145720131, ClinGen allele CA405646949.

ClinVar aggregate classification (germline): Uncertain significance (1 of 4 stars; one submission).

Conditions:
RYR1-related disorder. Also called: RYR1-related condition; RYR1-related disorders. Identifiers: MedGen CN239331.

Submission:

Labcorp Genetics (formerly Invitae), Labcorp
Classification: Uncertain significance for RYR1-related disorder. Last evaluated: 2022-08-09. Review status: criteria provided, single submitter. Criteria: Invitae Variant Classification Sherloc (09022015). Collection method: clinical testing. Allele origin: germline.
Comment: This sequence change replaces proline, which is neutral and non-polar, with serine, which is neutral and polar, at codon 3589 of the RYR1 protein (p.Pro3589Ser). This variant is not present in population databases (gnomAD no frequency). This variant has not been reported in the literature in individuals affected with RYR1-related conditions. ClinVar contains an entry for this variant (Variation ID: 1346359). Advanced modeling of protein sequence and biophysical properties (such as structural, functional, and spatial information, amino acid conservation, physicochemical variation, residue mobility, and thermodynamic stability) performed at Invitae indicates that this missense variant is not expected to disrupt RYR1 protein function. In summary, the available evidence is currently insufficient to determine the role of this variant in disease. Therefore, it has been classified as a Variant of Uncertain Significance.